The following is an entry in ClinVar:

ClinVar aggregate classification (germline): Pathogenic (1 of 4 stars; one submission).

Conditions:
Dilated cardiomyopathy 1D. Identifiers: Orphanet 154, Orphanet 54260, MedGen C1832243, MONDO:0011095, OMIM 601494.
Hypertrophic cardiomyopathy 2. Also called: TNNT2-Related Familial Hypertrophic Cardiomyopathy. Identifiers: MedGen C1861864, MONDO:0007266, OMIM 115195.
Cardiomyopathy, familial restrictive, 3. Identifiers: Orphanet 75249, MedGen C2676271, MONDO:0012900, OMIM 612422.

Submission:

Labcorp Genetics (formerly Invitae), Labcorp
Classification: Pathogenic for Cardiomyopathy, familial restrictive, 3; Hypertrophic cardiomyopathy 2; Dilated cardiomyopathy 1D. Last evaluated: 2024-08-28. Review status: criteria provided, single submitter. Criteria: Invitae Variant Classification Sherloc (09022015). Collection method: clinical testing. Allele origin: germline.
Comment: This sequence change replaces phenylalanine, which is neutral and non-polar, with leucine, which is neutral and non-polar, at codon 87 of the TNNT2 protein (p.Phe87Leu). This variant is not present in population databases (gnomAD no frequency). This missense change has been observed in individual(s) with hypertrophic cardiomyopathy (PMID: 20038417). It has also been observed to segregate with disease in related individuals. Invitae Evidence Modeling of protein sequence and biophysical properties (such as structural, functional, and spatial information, amino acid conservation, physicochemical variation, residue mobility, and thermodynamic stability) indicates that this missense variant is expected to disrupt TNNT2 protein function with a positive predictive value of 95%. For these reasons, this variant has been classified as Pathogenic.

Literature cited by the submitters: PubMed 20038417.

NM_001276345.2(TNNT2):c.291T>G (p.Phe97Leu)

Gene: TNNT2 (troponin T2, cardiac type; minus strand). Cytogenetic location: 1q32.1.
Variant type: single nucleotide variant.
Coding change: c.291T>G on transcript NM_001276345.2 (MANE Select); coding-DNA position 291, T replaced by G.
Protein change: p.Phe97Leu; replaces phenylalanine 97 with leucine.
Molecular consequence: missense variant.
Genome position (GRCh38, 1-based): chr1:201,365,613, A>C on the plus strand (T>G on the coding strand, the complement: TNNT2 is on the minus strand). VCF-style: chr1-201365613-A-C. GRCh37 (hg19) VCF-style: chr1-201334741-A-C.
Other names: c.291T>G, p.Phe97Leu (NM_000364.4); c.261T>G, p.Phe87Leu (NM_001001430.3, NM_001001431.3, NM_001276347.2); c.246T>G, p.Phe82Leu (NM_001001432.3); c.288T>G, p.Phe96Leu (NM_001276346.2); short protein forms F87L, F97L, F82L, F96L.
Identifiers: ClinVar variation 3753583 (VCV003753583.2), dbSNP rs730881098.
Genomic context (GRCh38, chr1:201,365,613, plus strand): 5'-GAGGGCCCTTGGGACTATCCCCAGCCCAGGCCTACTCAACCCACAGCCACCGCTTACATC[A>C]AAGTCCACTCTCTCTCCATCGGGGATCTTGGGAGGCACCAAGTTGGGCATGAACGACCTG-3'
Protein context (NP_001263274.1, residues 87-107): PKIPDGERVD[Phe97Leu]DDIHRKRMEK